The following is an entry in ClinVar:

ClinVar aggregate classification (germline): Uncertain significance. Review status: criteria provided, multiple submitters, no conflicts (2 of 4 stars). 2 submissions from 2 submitters: Uncertain significance (2). Last evaluated 2025-10-01.

Conditions:
POLD1-related polyposis and colorectal cancer syndrome (CRCS10). Also called: Colorectal cancer 10; COLORECTAL CANCER, SUSCEPTIBILITY TO, ON CHROMOSOME 19q; Colorectal cancer, susceptibility to, 10. Identifiers: Orphanet 220460, MedGen C2675481, MONDO:0012953, OMIM 612591.

Submissions (2):

Labcorp Genetics (formerly Invitae), Labcorp
Classification: Uncertain significance for POLD1-related polyposis and colorectal cancer syndrome. Last evaluated: 2025-10-01. Review status: criteria provided, single submitter. Criteria: Invitae Variant Classification Sherloc (09022015). Collection method: clinical testing. Allele origin: germline.
Comment: This sequence change creates a premature translational stop signal (p.Arg454Alafs*24) in the POLD1 gene. Missense variants that disrupt the 3'-5' exonuclease (proof-reading) activity of the POLD1 protein are associated with PPAP (polymerase proofreading–associated polyposis) (PMID: 23263490, 23447401). However, loss-of-function variants that result in an absent or severely disrupted POLD1 protein, and missense variants outside the exonuclease domain, are unlikely to be associated with PPAP. This variant is not present in population databases (gnomAD no frequency). This variant has not been reported in the literature in individuals affected with POLD1-related conditions. ClinVar contains an entry for this variant (Variation ID: 1008378). In summary, the available evidence is currently insufficient to determine the role of this variant in disease. Therefore, it has been classified as a Variant of Uncertain Significance.

Dasa
Classification: Uncertain significance. Last evaluated: 2024-12-17. Review status: criteria provided, single submitter. Criteria: DASA Assertion Criteria. Collection method: clinical testing. Allele origin: germline.
Comment: NM_002691.4(POLD1):c.1360del (p.Arg454Alafs*24) is a frameshift variant in POLD1 predicted to alter the reading frame and introduce a premature termination codon. This variant is absent from population databases. Computational prediction algorithms are consistent with a benign effect. The currently available literature and clinical evidence are not sufficient to establish a definitive association between this variant and the reported condition. Therefore, this variant is classified as a variant of uncertain significance.

Literature cited by the submitters: PubMed 23263490 (cited by Labcorp Genetics (formerly Invitae), Labcorp); PubMed 23447401 (cited by Labcorp Genetics (formerly Invitae), Labcorp).

NM_002691.4(POLD1):c.1360del (p.Arg454fs)

Gene: POLD1 (DNA polymerase delta 1, catalytic subunit; plus strand). Cytogenetic location: 19q13.33.
Variant type: Deletion.
Coding change: c.1360del on transcript NM_002691.4 (MANE Select); coding-DNA position 1360, one base deleted (C; older notation c.1360delC).
Protein change: p.Arg454fs; shifts the reading frame from arginine 454.
Molecular consequence: frameshift variant. On other transcripts: non-coding transcript variant (1).
Genome position (GRCh38, 1-based): chr19:50,406,299, C deleted; the last of 2 consecutive C bases (chr19:50,406,298-50,406,299); deleting either gives the same sequence. VCF-style (leftmost placement, unchanged base first): chr19-50406297-GC-G. GRCh37 (hg19) VCF-style: chr19-50909554-GC-G.
Other names: c.1360del, p.Arg454fs (NM_001256849.1, NM_001308632.1); short protein forms R454fs.
Identifiers: ClinVar variation 1008378 (VCV001008378.10), dbSNP rs2038877419, ClinGen allele CA2340884783.
Genomic context (GRCh38, chr19:50,406,297, plus strand): 5'-ACTCTTCATTCCAGTCCAAGCAGACGGGCCGGCGGGACACCAAGGTTGTCAGCATGGTGG[GC>G]CGCGTGCAGATGGACATGCTGCAGGTATGGGCGGGAGGTGGGGTGTGTCCCTGTCCTTGG-3'